The following is an entry in ClinVar:

NM_020964.3(EPG5):c.3385-110A>G

Gene: EPG5 (ectopic P-granules 5 autophagy tethering factor; minus strand). Cytogenetic location: 18q21.1.
Variant type: single nucleotide variant.
Coding change: c.3385-110A>G on transcript NM_020964.3 (MANE Select); 110 bases into the intron before coding-DNA position 3385, A replaced by G.
Molecular consequence: intron variant.
Genome position (GRCh38, 1-based): chr18:45,916,316, T>C on the plus strand (A>G on the coding strand, the complement: EPG5 is on the minus strand). VCF-style: chr18-45916316-T-C. GRCh37 (hg19) VCF-style: chr18-43496281-T-C.
Identifiers: ClinVar variation 1678699 (VCV001678699.2), dbSNP rs139491623, ClinGen allele CA299764758.

ClinVar aggregate classification (germline): Likely benign (1 of 4 stars; one submission).

Allele frequency attached by ClinVar (database versions not stated): gnomAD exomes 0.00034; gnomAD 0.00373 and 0.00401; TOPMed 0.00437; 1000 Genomes Project 0.00499; 1000 Genomes Project 30x 0.00515.
gnomAD v4.1: 1,061 of 1,522,970 alleles (0.07%); highest among the groups gnomAD compares: African/African-American, 1.3%; 1 homozygote.

Submission:

GeneDx
Classification: Likely benign. Last evaluated: 2021-10-19. Review status: criteria provided, single submitter. Criteria: GeneDx Variant Classification Process June 2021. Collection method: clinical testing. Allele origin: germline. Affected: yes.
Comment: See Variant Classification Assertion Criteria.